The following is an entry in ClinVar:

ClinVar aggregate classification (germline): Uncertain significance (1 of 4 stars; one submission).

Conditions:
Hereditary cancer-predisposing syndrome. Also called: Neoplastic Syndromes, Hereditary; Tumor predisposition; Hereditary neoplastic syndrome; Hereditary Cancer Syndrome. Identifiers: Orphanet 140162, MedGen C0027672, MeSH D009386, MONDO:0015356.

Submission:

Ambry Genetics
Classification: Uncertain significance for Hereditary cancer-predisposing syndrome. Last evaluated: 2023-03-02. Review status: criteria provided, single submitter. Criteria: Ambry Variant Classification Scheme 2023. Collection method: clinical testing. Allele origin: germline.
Comment: The p.L734F variant (also known as c.2202G>C), located in coding exon 10 of the BRCA2 gene, results from a G to C substitution at nucleotide position 2202. The leucine at codon 734 is replaced by phenylalanine, an amino acid with highly similar properties. This amino acid position is conserved. In addition, this alteration is predicted to be tolerated by in silico analysis. Since supporting evidence is limited at this time, the clinical significance of this alteration remains unclear.

NM_000059.4(BRCA2):c.2202G>C (p.Leu734Phe)

Gene: BRCA2 (BRCA2 DNA repair associated; plus strand). Cytogenetic location: 13q13.1.
Variant type: single nucleotide variant.
Coding change: c.2202G>C on transcript NM_000059.4 (MANE Select); coding-DNA position 2202, G replaced by C.
Protein change: p.Leu734Phe; replaces leucine 734 with phenylalanine.
Molecular consequence: missense variant. On other transcripts: non-coding transcript variant (1), intron variant (2).
Genome position (GRCh38, 1-based): chr13:32,336,557, G>C. VCF-style: chr13-32336557-G-C. GRCh37 (hg19) VCF-style: chr13-32910694-G-C.
Other names: c.2202G>C, p.Leu734Phe (NM_001406719.1, NM_001406720.1); c.1909+3170G>C (NM_001406721.1); c.424+5527G>C (NM_001406722.1); short protein forms L734F.
Identifiers: ClinVar variation 2451578 (VCV002451578.2), dbSNP rs2137484178, ClinGen allele CA387770512.